The following is an entry in ClinVar:

ClinVar aggregate classification (germline): Uncertain significance (1 of 4 stars; one submission).

Conditions:
GNAS-related disorder. Identifiers: MedGen CN380105.

gnomAD v4.1: 1 of 1,548,932 alleles (0.000065%); highest among the groups gnomAD compares: Admixed American, 0.002%; no homozygotes.

Submission:

PreventionGenetics, part of Exact Sciences
Classification: Uncertain significance for GNAS-related condition. Last evaluated: 2026-02-18. Review status: criteria provided, single submitter. Criteria: ACMG Guidelines, 2015. Collection method: clinical testing. Allele origin: germline.
Comment: The GNAS c.23A>G variant is predicted to result in the amino acid substitution p.Tyr8Cys. Of note, this variant can also be referred to as c.-38439A>G (pre-coding) with the more commonly reported isoform, NM_000516. To our knowledge, this variant has not been reported in the literature. This variant is reported in 0.0041% of alleles in individuals of Latino descent in gnomAD. At this time, the clinical significance of this variant is uncertain due to the absence of conclusive functional and genetic evidence.

NM_080425.4(GNAS):c.23A>G (p.Tyr8Cys)

Gene: GNAS (GNAS complex locus; plus strand). Cytogenetic location: 20q13.32.
Variant type: single nucleotide variant.
Coding change: c.23A>G on transcript NM_080425.4 (MANE Plus Clinical); coding-DNA position 23, A replaced by G.
Protein change: p.Tyr8Cys; replaces tyrosine 8 with cysteine.
Molecular consequence: missense variant. On other transcripts: 5 prime UTR variant (2), intron variant (3).
Genome position (GRCh38, 1-based): chr20:58,853,288, A>G. VCF-style: chr20-58853288-A-G. GRCh37 (hg19) VCF-style: chr20-57428343-A-G.
Other names: c.-165A>G (NM_001077490.3, NM_001309883.1); c.23A>G, p.Tyr8Cys (NM_001410913.1); c.*42+12402A>G (NM_016592.5); c.43+12402A>G (NM_001410912.1); c.-39+11413A>G (NM_001309861.2); short protein forms Y8C.
Identifiers: ClinVar variation 4985196 (VCV004985196.1).